The following is an entry in ClinVar:

NM_000264.5(PTCH1):c.3676A>G (p.Ser1226Gly)

Gene: PTCH1 (patched 1; minus strand). Cytogenetic location: 9q22.32.
Variant type: single nucleotide variant.
Coding change: c.3676A>G on transcript NM_000264.5 (MANE Select); coding-DNA position 3676, A replaced by G.
Protein change: p.Ser1226Gly; replaces serine 1226 with glycine.
Molecular consequence: missense variant. On other transcripts: non-coding transcript variant (1).
Genome position (GRCh38, 1-based): chr9:95,449,197, T>C on the plus strand (A>G on the coding strand, the complement: PTCH1 is on the minus strand). VCF-style: chr9-95449197-T-C. GRCh37 (hg19) VCF-style: chr9-98211479-T-C.
Other names: c.3676A>G (NM_000264.3); c.3478A>G, p.Ser1160Gly (NM_001083602.3); c.3673A>G, p.Ser1225Gly (NM_001083603.3); c.3223A>G, p.Ser1075Gly (NM_001083604.3, NM_001083605.3, NM_001083606.3 and 1 more transcripts); c.3520A>G, p.Ser1174Gly (NM_001354918.2); short protein forms S1075G, S1160G, S1174G, S1225G, S1226G.
Identifiers: ClinVar variation 1002643 (VCV001002643.10), dbSNP rs890755179, ClinGen allele CA196566280.

ClinVar aggregate classification (germline): Conflicting classifications of pathogenicity. Review status: criteria provided, conflicting classifications (1 of 4 stars). 2 submissions from 2 submitters: Uncertain significance (1); Benign (1). Last evaluated 2025-08-30.

Conditions:
Hereditary cancer-predisposing syndrome. Also called: Hereditary neoplastic syndrome; Neoplastic Syndromes, Hereditary; Tumor predisposition; Hereditary Cancer Syndrome. Identifiers: Orphanet 140162, MedGen C0027672, MeSH D009386, MONDO:0015356.
Gorlin syndrome. Also called: Nevoid Basal Cell Carcinoma Syndrome; Basal cell nevus syndrome. Identifiers: Orphanet 377, MedGen C0004779, MONDO:0007187.

Allele frequency attached by ClinVar (database versions not stated): gnomAD exomes below 0.00001 and 0.00001; gnomAD 0.00002; TOPMed 0.00003.
gnomAD v4.1: 7 of 1,609,606 alleles (0.00043%); highest among the groups gnomAD compares: African/African-American, 0.0093%; 1 homozygote.

Submissions (2):

Labcorp Genetics (formerly Invitae), Labcorp
Classification: Benign for Gorlin syndrome. Last evaluated: 2025-08-30. Review status: criteria provided, single submitter. Criteria: Invitae Variant Classification Sherloc (09022015). Collection method: clinical testing. Allele origin: germline.

Ambry Genetics
Classification: Uncertain significance for Hereditary cancer-predisposing syndrome. Last evaluated: 2025-02-15. Review status: criteria provided, single submitter. Criteria: Ambry Variant Classification Scheme 2023. Collection method: clinical testing. Allele origin: germline.
Comment: The p.S1226G variant (also known as c.3676A>G), located in coding exon 22 of the PTCH1 gene, results from an A to G substitution at nucleotide position 3676. The serine at codon 1226 is replaced by glycine, an amino acid with similar properties. This amino acid position is conserved. In addition, this alteration is predicted to be tolerated by in silico analysis. Based on the available evidence, the clinical significance of this variant remains unclear.